The following is an entry in ClinVar:

NM_000212.3(ITGB3):c.1031A>C (p.Tyr344Ser)

Gene: ITGB3 (integrin subunit beta 3; plus strand). Cytogenetic location: 17q21.32.
Variant type: single nucleotide variant.
Coding change: c.1031A>C on transcript NM_000212.3 (MANE Select); coding-DNA position 1031, A replaced by C.
Protein change: p.Tyr344Ser; replaces tyrosine 344 with serine.
Molecular consequence: missense variant.
Genome position (GRCh38, 1-based): chr17:47,289,772, A>C. VCF-style: chr17-47289772-A-C. GRCh37 (hg19) VCF-style: chr17-45367138-A-C.
Other names: short protein forms Y344S.
Identifiers: ClinVar variation 1210200 (VCV001210200.8), dbSNP rs2065118116, ClinGen allele CA400025814.
Genomic context (GRCh38, chr17:47,289,772, plus strand): 5'-AGCTATCCCAGAAAAACATCAATTTGATCTTTGCAGTGACTGAAAATGTAGTCAATCTCT[A>C]TCAGGTGACTGTGCCTTCGGGCTTCCTGGAGTGGGCCCTGTGATGGTGGGTGCCCCAGGT-3'
Protein context (NP_000203.2, residues 334-354): FAVTENVVNL[Tyr344Ser]QNYSELIPGT

ClinVar aggregate classification (germline): Likely pathogenic. Review status: reviewed by expert panel (3 of 4 stars). 3 submissions from 3 submitters: Likely pathogenic (1). 2 of the submissions do not count toward it. Last evaluated 2024-02-20.

Conditions:
Glanzmann thrombasthenia. Also called: BLEEDING DISORDER, PLATELET-TYPE, 2; THROMBASTHENIA OF GLANZMANN AND NAEGELI; PLATELET GLYCOPROTEIN IIb-IIIa DEFICIENCY; Thrombasthenia; Glanzmann's thrombasthenia. Identifiers: Orphanet 849, MedGen C0040015, MONDO:0100326.
Myocardial infarction, susceptibility to. Identifiers: MedGen C1832662, MONDO:0012039, OMIM 608446.
Bleeding disorder, platelet-type, 24. Also called: GLANZMANN THROMBASTHENIA-LIKE WITH MACROTHROMBOCYTOPENIA 2. Identifiers: MedGen C5543280, MONDO:0030996, OMIM 619271.
Glanzmann thrombasthenia 2. Also called: BLEEDING DISORDER, PLATELET-TYPE, 23. Identifiers: MedGen C5543273, MONDO:0031009, OMIM 619267.

Allele frequency attached by ClinVar (database versions not stated): gnomAD exomes below 0.00001; TOPMed below 0.00001.
gnomAD v4.1: 4 of 1,612,694 alleles (0.00025%); highest among the groups gnomAD compares: Non-Finnish European, 0.00034%; no homozygotes.

Submissions (3):

ClinGen Platelet Disorders Variant Curation Expert Panel, ClinGen
Classification: Likely pathogenic for Glanzmann thrombasthenia. Last evaluated: 2024-02-20. Review status: reviewed by expert panel. Criteria: ClinGen Platelet ACMG Specifications v2-1. Collection method: curation. Allele origin: germline. Inheritance: Autosomal recessive inheritance.
Comment: NM_000212.3(ITGB3):c.1031A>C (p.Tyr344Ser) is a missense variant reported in at least one homozygous individual (PM3_supporting) previously who satisfies clinical and laboratory phenotype for GT. Patient GT23 had a history of significant mucocutaneous bleeding, platelet aggregation was absent with three physiological agonists (but normal aggregation with ristocetin) and reduced (<5%) surface expression of αIIbβ3 demonstrated by flowcytometry (PMID: 25728920; PP4_Strong). This variant is predicted deleterious with a REVEL score = 0.982 , which is well above the threshold of >0.70 (PP3). The highest population minor allele frequency in gnomADv4.0 is 0.000003602 (4/1,110,630 alleles) in the European (non-Finnish) population, which is lower than the ClinGen PD VCEP threshold (<0.0001; PM2_Supporting). In summary, this variant meets criteria for PP4_strong, PM2_supporting, PM3_supporting and PP3 and is therefore classified as Likely pathogenic for Glanzmann thrombasthenia.

Fulgent Genetics
Classification: Likely pathogenic for Myocardial infarction, susceptibility to; Glanzmann thrombasthenia 2; Bleeding disorder, platelet-type, 24. Last evaluated: 2024-02-06. Review status: criteria provided, single submitter. Criteria: ACMG Guidelines, 2015. Collection method: clinical testing. Allele origin: germline. Not counted in ClinVar's aggregate classification.

Labcorp Genetics (formerly Invitae), Labcorp
Classification: Uncertain significance. Last evaluated: 2022-04-09. Review status: criteria provided, single submitter. Criteria: Invitae Variant Classification Sherloc (09022015). Collection method: clinical testing. Allele origin: germline. Not counted in ClinVar's aggregate classification.
Comment: This missense change has been observed in individuals with autosomal recessive Glanzmann thrombasthenia (PMID: 22250950, 25728920). This variant disrupts the p.Tyr344 amino acid residue in ITGB3. Other variant(s) that disrupt this residue have been observed in individuals with ITGB3-related conditions (PMID: 19691478, 25728920), which suggests that this may be a clinically significant amino acid residue. Algorithms developed to predict the effect of sequence changes on RNA splicing suggest that this variant may create or strengthen a splice site. Studies have shown that this missense change alters ITGB3 gene expression (PMID: 25728920). Algorithms developed to predict the effect of missense changes on protein structure and function (SIFT, PolyPhen-2, Align-GVGD) all suggest that this variant is likely to be disruptive. ClinVar contains an entry for this variant (Variation ID: 1210200). In summary, the available evidence is currently insufficient to determine the role of this variant in disease. Therefore, it has been classified as a Variant of Uncertain Significance. This variant is not present in population databases (gnomAD no frequency). This sequence change replaces tyrosine, which is neutral and polar, with serine, which is neutral and polar, at codon 344 of the ITGB3 protein (p.Tyr344Ser).

Literature cited by the submitters: PubMed 22250950 (cited by Labcorp Genetics (formerly Invitae), Labcorp); PubMed 25728920 (cited by Labcorp Genetics (formerly Invitae), Labcorp); PubMed 19691478 (cited by Labcorp Genetics (formerly Invitae), Labcorp).